The following is an entry in ClinVar:

ClinVar aggregate classification (germline): Uncertain significance. Review status: criteria provided, single submitter (1 of 4 stars). 2 submissions from 2 submitters: Uncertain significance (1). 1 of the submissions does not count toward it. Last evaluated 2025-09-16.

Conditions:
EZH2-related disorder.

Submissions (2):

GeneDx
Classification: Uncertain significance. Last evaluated: 2025-09-16. Review status: criteria provided, single submitter. Criteria: GeneDx Variant Classification Process June 2021. Collection method: clinical testing. Allele origin: germline. Affected: yes.
Comment: Not observed at significant frequency in large population cohorts (gnomAD); In silico analysis suggests that this missense variant does not alter protein structure/function; Has not been previously published as pathogenic or benign to our knowledge

PreventionGenetics, part of Exact Sciences
Classification: Uncertain significance for EZH2-related condition. Last evaluated: 2024-07-15. Review status: no assertion criteria provided. Collection method: clinical testing. Allele origin: germline. Not counted in ClinVar's aggregate classification.
Comment: The EZH2 c.1060C>T variant is predicted to result in the amino acid substitution p.Arg354Cys. To our knowledge, this variant has not been reported in the literature or in a large population database, indicating this variant is rare. At this time, the clinical significance of this variant is uncertain due to the absence of conclusive functional and genetic evidence.

NM_004456.5(EZH2):c.1060C>T (p.Arg354Cys)

Gene: EZH2 (enhancer of zeste 2 polycomb repressive complex 2 subunit; minus strand). Cytogenetic location: 7q36.1.
Variant type: single nucleotide variant.
Coding change: c.1060C>T on transcript NM_004456.5 (MANE Select); coding-DNA position 1060, C replaced by T.
Protein change: p.Arg354Cys; replaces arginine 354 with cysteine.
Molecular consequence: missense variant.
Genome position (GRCh38, 1-based): chr7:148,818,057, G>A on the plus strand (C>T on the coding strand, the complement: EZH2 is on the minus strand). VCF-style: chr7-148818057-G-A. GRCh37 (hg19) VCF-style: chr7-148515149-G-A.
Other names: c.1045C>T, p.Arg349Cys (NM_001203247.2); c.1018C>T, p.Arg340Cys (NM_001203248.2, NM_001203249.2); c.928C>T, p.Arg310Cys (NM_152998.3); short protein forms R310C, R340C, R349C, R354C.
Identifiers: ClinVar variation 3345725 (VCV003345725.3).
Genomic context (GRCh38, chr7:148,818,057, plus strand): 5'-TGGGGGTGCTGGGCCTGCTACTGTTATTGGGAAGCCGTCCTCTTCTGCGGCCTCCTGGAC[G>A]TTTTGGTGGGGTCTTTATCCGCTCAGCGGTGAGAGCAGCAGCAAACTCCTTTGCTCCCTC-3'
Protein context (NP_004447.2, residues 344-364): TAERIKTPPK[Arg354Cys]PGGRRRGRLP